The following is an entry in ClinVar:

NM_000293.3(PHKB):c.504T>G (p.Gly168=)

Gene: PHKB (phosphorylase kinase regulatory subunit beta; plus strand). Cytogenetic location: 16q12.1.
Variant type: single nucleotide variant.
Coding change: c.504T>G on transcript NM_000293.3 (MANE Select); coding-DNA position 504, T replaced by G.
Protein change: p.Gly168=; no amino-acid change (glycine 168 retained).
Molecular consequence: synonymous variant.
Genome position (GRCh38, 1-based): chr16:47,511,763, T>G. VCF-style: chr16-47511763-T-G. GRCh37 (hg19) VCF-style: chr16-47545674-T-G.
Other names: c.483T>G, p.Gly161= (NM_001031835.3); c.504T>G, p.Gly168= (NM_001363837.1).
Identifiers: ClinVar variation 2646491 (VCV002646491.24), dbSNP rs2548341041, ClinGen allele CA495358913.

ClinVar aggregate classification (germline): Likely benign (1 of 4 stars; one submission).

Submission:

CeGaT Center for Human Genetics Tuebingen
Classification: Likely benign. Last evaluated: 2022-05-01. Review status: criteria provided, single submitter. Criteria: CeGaT Center For Human Genetics Tuebingen Variant Classification Criteria Version 2. Collection method: clinical testing. Allele origin: germline. Affected: yes. Observed: 1 variant allele.
Comment: PHKB: PM2:Supporting, BP4, BP7